The following is an entry in ClinVar:

NM_004628.5(XPC):c.1001del (p.Pro334fs)

Gene: XPC (XPC complex subunit, DNA damage recognition and repair factor; minus strand). Cytogenetic location: 3p25.1.
Variant type: Deletion.
Coding change: c.1001del on transcript NM_004628.5 (MANE Select); coding-DNA position 1001, one base deleted (C; older notation c.1001delC).
Protein change: p.Pro334fs; shifts the reading frame from proline 334.
Molecular consequence: frameshift variant. On other transcripts: non-coding transcript variant (2).
Genome position (GRCh38, 1-based): chr3:14,158,882, G deleted on the plus strand (C on the coding strand, the reverse complement: XPC is on the minus strand); the first of 2 consecutive G bases (chr3:14,158,882-14,158,883); deleting either gives the same sequence. VCF-style (leftmost placement, unchanged base first): chr3-14158881-AG-A. GRCh37 (hg19) VCF-style: chr3-14200381-AG-A.
Other names: c.422del, p.Pro141fs (NM_001354726.2); c.1001del, p.Pro334fs (NM_001354727.2, NM_001354730.2); c.983del, p.Pro328fs (NM_001354729.2); short protein forms P328fs, P141fs, P334fs.
Identifiers: ClinVar variation 644990 (VCV000644990.6), dbSNP rs1574963068, ClinGen allele CA915941868.

ClinVar aggregate classification (germline): Pathogenic (1 of 4 stars; one submission).

Submission:

Labcorp Genetics (formerly Invitae), Labcorp
Classification: Pathogenic. Last evaluated: 2018-12-18. Review status: criteria provided, single submitter. Criteria: Invitae Variant Classification Sherloc (09022015). Collection method: clinical testing. Allele origin: germline.
Comment: For these reasons, this variant has been classified as Pathogenic. Loss-of-function variants in XPC are known to be pathogenic (PMID: 23173980, 25256075). This variant has not been reported in the literature in individuals with XPC-related conditions. This variant is not present in population databases (ExAC no frequency). This sequence change creates a premature translational stop signal (p.Pro334Leufs*6) in the XPC gene. It is expected to result in an absent or disrupted protein product.

Literature cited by the submitters: PubMed 23173980; PubMed 25256075.